The following is an entry in ClinVar:

NM_032043.3(BRIP1):c.918+5G>A

Gene: BRIP1 (BRCA1 interacting DNA helicase 1; minus strand). Cytogenetic location: 17q23.2.
Variant type: single nucleotide variant.
Coding change: c.918+5G>A on transcript NM_032043.3 (MANE Select); 5 bases into the intron after coding-DNA position 918, G replaced by A.
Molecular consequence: intron variant.
Genome position (GRCh38, 1-based): chr17:61,808,462, C>T on the plus strand (G>A on the coding strand, the complement: BRIP1 is on the minus strand). VCF-style: chr17-61808462-C-T. GRCh37 (hg19) VCF-style: chr17-59885823-C-T.
Identifiers: ClinVar variation 845104 (VCV000845104.8), dbSNP rs2078106072, ClinGen allele CA916081915.

ClinVar aggregate classification (germline): Uncertain significance (1 of 4 stars; one submission).

Conditions:
Fanconi anemia complementation group J. Also called: BRIP1-Related Fanconi Anemia. Identifiers: Orphanet 84, MedGen C1836860, MONDO:0012187, OMIM 609054.
Familial cancer of breast. Also called: hereditary breast carcinoma; BREAST CANCER, FAMILIAL; Hereditary breast cancer. Identifiers: Orphanet 227535, MedGen C0346153, MONDO:0016419, OMIM 114480. Disease mechanism: loss of function.

Submission:

Labcorp Genetics (formerly Invitae), Labcorp
Classification: Uncertain significance for Familial cancer of breast; Fanconi anemia complementation group J. Last evaluated: 2025-03-04. Review status: criteria provided, single submitter. Criteria: Invitae Variant Classification Sherloc (09022015). Collection method: clinical testing. Allele origin: germline.
Comment: This sequence change falls in intron 7 of the BRIP1 gene. It does not directly change the encoded amino acid sequence of the BRIP1 protein. It affects a nucleotide within the consensus splice site. This variant is not present in population databases (gnomAD no frequency). This variant has not been reported in the literature in individuals affected with BRIP1-related conditions. ClinVar contains an entry for this variant (Variation ID: 845104). Variants that disrupt the consensus splice site are a relatively common cause of aberrant splicing (PMID: 17576681, 9536098). Algorithms developed to predict the effect of sequence changes on RNA splicing suggest that this variant may disrupt the consensus splice site. In summary, the available evidence is currently insufficient to determine the role of this variant in disease. Therefore, it has been classified as a Variant of Uncertain Significance.

Literature cited by the submitters: PubMed 17576681; PubMed 9536098.